The following is an entry in ClinVar:

NM_002500.5(NEUROD1):c.910C>T (p.Pro304Ser)

Gene: NEUROD1 (neuronal differentiation 1; minus strand). Cytogenetic location: 2q31.3.
Variant type: single nucleotide variant.
Coding change: c.910C>T on transcript NM_002500.5 (MANE Select); coding-DNA position 910, C replaced by T.
Protein change: p.Pro304Ser; replaces proline 304 with serine.
Molecular consequence: missense variant.
Genome position (GRCh38, 1-based): chr2:181,677,951, G>A on the plus strand (C>T on the coding strand, the complement: NEUROD1 is on the minus strand). VCF-style: chr2-181677951-G-A. GRCh37 (hg19) VCF-style: chr2-182542678-G-A.
Other names: short protein forms P304S.
Identifiers: ClinVar variation 4764629 (VCV004764629.1).

ClinVar aggregate classification (germline): Uncertain significance (1 of 4 stars; one submission).

Submission:

Labcorp Genetics (formerly Invitae), Labcorp
Classification: Uncertain significance. Last evaluated: 2026-01-12. Review status: criteria provided, single submitter. Criteria: Invitae Variant Classification Sherloc (09022015). Collection method: clinical testing. Allele origin: germline.
Comment: This sequence change replaces proline, which is neutral and non-polar, with serine, which is neutral and polar, at codon 304 of the NEUROD1 protein (p.Pro304Ser). This variant is present in population databases (rs761735168, gnomAD 0.002%). This variant has not been reported in the literature in individuals affected with NEUROD1-related conditions. Invitae Evidence Modeling of protein sequence and biophysical properties (such as structural, functional, and spatial information, amino acid conservation, physicochemical variation, residue mobility, and thermodynamic stability) indicates that this missense variant is not expected to disrupt NEUROD1 protein function with a negative predictive value of 80%. In summary, the available evidence is currently insufficient to determine the role of this variant in disease. Therefore, it has been classified as a Variant of Uncertain Significance.